The following is an entry in ClinVar:

ClinVar aggregate classification (germline): Uncertain significance (1 of 4 stars; one submission).

Submission:

GeneDx
Classification: Uncertain significance. Last evaluated: 2024-09-13. Review status: criteria provided, single submitter. Criteria: GeneDx Variant Classification Process June 2021. Collection method: clinical testing. Allele origin: germline. Affected: yes.
Comment: Not observed at significant frequency in large population cohorts (gnomAD); In silico analysis indicates that this missense variant does not alter protein structure/function; Has not been previously published as pathogenic or benign to our knowledge

NM_080552.3(SLC32A1):c.796T>C (p.Phe266Leu)

Gene: SLC32A1 (solute carrier family 32 member 1; plus strand). Cytogenetic location: 20q11.23.
Variant type: single nucleotide variant.
Coding change: c.796T>C on transcript NM_080552.3 (MANE Select); coding-DNA position 796, T replaced by C.
Protein change: p.Phe266Leu; replaces phenylalanine 266 with leucine.
Molecular consequence: missense variant.
Genome position (GRCh38, 1-based): chr20:38,727,857, T>C. VCF-style: chr20-38727857-T-C. GRCh37 (hg19) VCF-style: chr20-37356500-T-C.
Other names: short protein forms F266L.
Identifiers: ClinVar variation 3770114 (VCV003770114.1).